The following is an entry in ClinVar:

NM_006030.4(CACNA2D2):c.2905G>A (p.Ala969Thr)

Genes: CACNA2D2 (calcium voltage-gated channel auxiliary subunit alpha2delta 2; minus strand), LOC101928965 (uncharacterized LOC101928965; plus strand), LOC127898564 (CYB561D2-LOC101928965; plus strand). Cytogenetic location: 3p21.31.
Variant type: single nucleotide variant.
Coding change: c.2905G>A on transcript NM_006030.4 (MANE Select); coding-DNA position 2905, G replaced by A.
Protein change: p.Ala969Thr; replaces alanine 969 with threonine.
Molecular consequence: missense variant. On other transcripts: non-coding transcript variant (2).
Genome position (GRCh38, 1-based): chr3:50,365,820, C>T on the plus strand (G>A on the coding strand, the complement: CACNA2D2 is on the minus strand). VCF-style: chr3-50365820-C-T. GRCh37 (hg19) VCF-style: chr3-50403251-C-T.
Other names: c.2905G>A, p.Ala969Thr (NM_001005505.3); c.2926G>A, p.Ala976Thr (NM_001174051.3); c.2698G>A, p.Ala900Thr (NM_001291101.1); short protein forms A900T, A976T, A969T.
Identifiers: ClinVar variation 1040231 (VCV001040231.6), dbSNP rs1704236259, ClinGen allele CA352903253.
Genomic context (GRCh38, chr3:50,365,820, plus strand): 5'-CCTCCCGGCCAGGGAGCACCTTCTCTACCCACCTCCCGCTCAGGACTCACCAGGCGGCAG[C>T]AGAGGTCCACCAGGCCAGGTTAAGGAAATCTGCAACGGTGGGCTGCAGTGGAGAGAGGGG-3'
Protein context (NP_006021.2, residues 959-979): DFLNLAWWTS[Ala969Thr]AAWSLFQQLL

ClinVar aggregate classification (germline): Uncertain significance (1 of 4 stars; one submission).

Conditions:
Early-infantile DEE. Also called: Ohtahara syndrome; Early infantile epileptic encephalopathy with suppression bursts; Early infantile epileptic encephalopathy. Identifiers: Orphanet 1934, MedGen C0393706, MONDO:0800491.

Allele frequency attached by ClinVar (database versions not stated): gnomAD exomes below 0.00001.

Submission:

Labcorp Genetics (formerly Invitae), Labcorp
Classification: Uncertain significance for Early-infantile DEE. Last evaluated: 2022-07-19. Review status: criteria provided, single submitter. Criteria: Invitae Variant Classification Sherloc (09022015). Collection method: clinical testing. Allele origin: germline.
Comment: In summary, the available evidence is currently insufficient to determine the role of this variant in disease. Therefore, it has been classified as a Variant of Uncertain Significance. Algorithms developed to predict the effect of missense changes on protein structure and function are either unavailable or do not agree on the potential impact of this missense change (SIFT: "Deleterious"; PolyPhen-2: "Benign"; Align-GVGD: "Class C55"). ClinVar contains an entry for this variant (Variation ID: 1040231). This variant has not been reported in the literature in individuals affected with CACNA2D2-related conditions. This variant is not present in population databases (gnomAD no frequency). This sequence change replaces alanine, which is neutral and non-polar, with threonine, which is neutral and polar, at codon 969 of the CACNA2D2 protein (p.Ala969Thr).